The following is an entry in ClinVar:

ClinVar aggregate classification (germline): Uncertain significance. Review status: criteria provided, multiple submitters, no conflicts (2 of 4 stars). 2 submissions from 2 submitters: Uncertain significance (2). Last evaluated 2022-08-19.

Allele frequency attached by ClinVar (database versions not stated): gnomAD exomes below 0.00001; TOPMed below 0.00001.
gnomAD v4.1: 3 of 1,557,170 alleles (0.00019%); highest among the groups gnomAD compares: East Asian, 0.0048%; no homozygotes.

Submissions (2):

Blueprint Genetics
Classification: Uncertain significance. Last evaluated: 2022-08-19. Review status: criteria provided, single submitter. Criteria: ACMG Guidelines, 2015. Collection method: clinical testing. Allele origin: germline.

Labcorp Genetics (formerly Invitae), Labcorp
Classification: Uncertain significance. Last evaluated: 2021-01-11. Review status: criteria provided, single submitter. Criteria: Invitae Variant Classification Sherloc (09022015). Collection method: clinical testing. Allele origin: germline.
Comment: This sequence change replaces glycine with alanine at codon 168 of the USH1C protein (p.Gly168Ala). The glycine residue is highly conserved and there is a small physicochemical difference between glycine and alanine. This variant is not present in population databases (ExAC no frequency). This variant has not been reported in the literature in individuals with USH1C-related conditions. Algorithms developed to predict the effect of missense changes on protein structure and function (SIFT, PolyPhen-2, Align-GVGD) all suggest that this variant is likely to be disruptive, but these predictions have not been confirmed by published functional studies and their clinical significance is uncertain. In summary, the available evidence is currently insufficient to determine the role of this variant in disease. Therefore, it has been classified as a Variant of Uncertain Significance.

NM_153676.4(USH1C):c.503G>C (p.Gly168Ala)

Gene: USH1C (USH1 protein network component harmonin; minus strand). Cytogenetic location: 11p15.1.
Variant type: single nucleotide variant.
Coding change: c.503G>C on transcript NM_153676.4 (MANE Select); coding-DNA position 503, G replaced by C.
Protein change: p.Gly168Ala; replaces glycine 168 with alanine.
Molecular consequence: missense variant. On other transcripts: non-coding transcript variant (1).
Genome position (GRCh38, 1-based): chr11:17,527,034, C>G on the plus strand (G>C on the coding strand, the complement: USH1C is on the minus strand). VCF-style: chr11-17527034-C-G. GRCh37 (hg19) VCF-style: chr11-17548581-C-G.
Other names: c.503G>C, p.Gly168Ala (NM_001297764.2, NM_005709.4); short protein forms G168A.
Identifiers: ClinVar variation 2167772 (VCV002167772.2), dbSNP rs1470001070, ClinGen allele CA379794931.